The following is an entry in ClinVar:

NM_144997.7(FLCN):c.1301-7_1304del

Gene: FLCN (folliculin; minus strand). Cytogenetic location: 17p11.2.
Variant type: Deletion.
Coding change: c.1301-7_1304del on transcript NM_144997.7 (MANE Select); 7 bases into the intron before coding-DNA position 1301 through coding-DNA position 1304, 11 bases deleted (GTTACAGAGTT).
Molecular consequence: splice acceptor variant.
Genome position (GRCh38, 1-based): chr17:17,215,313-17,215,323, AACTCTGTAAC deleted on the plus strand (GTTACAGAGTT on the coding strand, the reverse complement: FLCN is on the minus strand); deleting any 11 consecutive bases within chr17:17,215,313-17,215,326 gives the same sequence; the c. name uses the placement nearest the transcript's 3' end. VCF-style (leftmost placement, unchanged base first): chr17-17215312-AAACTCTGTAAC-A. GRCh37 (hg19) VCF-style: chr17-17118626-AAACTCTGTAAC-A.
Other names: c.1301-7_1304del (NM_001353231.2, NM_001353230.2, NM_144997.5); c.1355-7_1358del (NM_001353229.2).
Identifiers: ClinVar variation 242814 (VCV000242814.6), dbSNP rs878854340, ClinGen allele CA10575477.

ClinVar aggregate classification (germline): Likely pathogenic. Review status: criteria provided, multiple submitters, no conflicts (2 of 4 stars). 3 submissions from 3 submitters: Likely pathogenic (3). Last evaluated 2025-06-27.

Conditions:
Birt-Hogg-Dube syndrome 1 (BHD1). Also called: FIBROFOLLICULOMAS WITH TRICHODISCOMAS AND ACROCHORDONS. Identifiers: Orphanet 122, MedGen CN375946, MONDO:0800445, OMIM 135150.
Birt-Hogg-Dube syndrome. Also called: Birt Hogg Dubé syndrome. Identifiers: Orphanet 122, MedGen C0346010, MONDO:0800444.

Submissions (3):

Myriad Genetics, Inc.
Classification: Likely pathogenic for Birt-Hogg-Dube syndrome 1. Last evaluated: 2025-06-27. Review status: criteria provided, single submitter. Criteria: Myriad Autosomal Dominant, Autosomal Recessive and X-Linked Classification Criteria (2023). Collection method: clinical testing. Allele origin: unknown.
Comment: This variant is considered likely pathogenic. This variant occurs within a consensus splice junction and is predicted to result in abnormal mRNA splicing of either an out-of-frame exon or an in-frame exon necessary for protein stability and/or normal function.

Molecular Pathology, Peter Maccallum Cancer Centre
Classification: Likely pathogenic for Birt-Hogg-Dube syndrome 1. Last evaluated: 2025-03-26. Review status: criteria provided, single submitter. Criteria: ACMG Guidelines, 2015. Collection method: clinical testing. Allele origin: germline. Inheritance: Autosomal dominant inheritance.

Labcorp Genetics (formerly Invitae), Labcorp
Classification: Likely pathogenic for Birt-Hogg-Dube syndrome. Last evaluated: 2023-08-14. Review status: criteria provided, single submitter. Criteria: Invitae Variant Classification Sherloc (09022015). Collection method: clinical testing. Allele origin: germline.
Comment: This variant results in the deletion of part of exon 12 (c.1301-7_1304del) of the FLCN gene. It is expected to disrupt RNA splicing. Variants that disrupt the donor or acceptor splice site typically lead to a loss of protein function (PMID: 16199547), and loss-of-function variants in FLCN are known to be pathogenic (PMID: 15852235). This variant is not present in population databases (gnomAD no frequency). This variant has been observed in individual(s) with Birt-Hogg-Dube syndrome (PMID: 22146830, 28869776). Algorithms developed to predict the effect of sequence changes on RNA splicing suggest that this variant may disrupt the consensus splice site. In summary, the currently available evidence indicates that the variant is pathogenic, but additional data are needed to prove that conclusively. Therefore, this variant has been classified as Likely Pathogenic.

Literature cited by the submitters: PubMed 16199547 (cited by Labcorp Genetics (formerly Invitae), Labcorp); PubMed 15852235 (cited by Labcorp Genetics (formerly Invitae), Labcorp); PubMed 22146830 (cited by Labcorp Genetics (formerly Invitae), Labcorp); PubMed 28869776 (cited by Labcorp Genetics (formerly Invitae), Labcorp).